The following is an entry in ClinVar:

NM_006118.4(HAX1):c.135_137del (p.Arg46del)

Gene: HAX1 (HCLS1 associated protein X-1; plus strand). Cytogenetic location: 1q21.3.
Variant type: Deletion.
Coding change: c.135_137del on transcript NM_006118.4 (MANE Select); coding-DNA positions 135 to 137, 3 bases deleted (CCG; older notation c.135_137delCCG).
Protein change: p.Arg46del; deletes arginine 46.
Molecular consequence: inframe deletion. On other transcripts: intron variant (1).
Genome position (GRCh38, 1-based): chr1:154,273,417-154,273,419, CCG deleted; deleting any 3 consecutive bases within chr1:154,273,416-154,273,419 gives the same sequence; the c. name uses the placement nearest the transcript's 3' end. VCF-style (leftmost placement, unchanged base first): chr1-154273415-GGCC-G. GRCh37 (hg19) VCF-style: chr1-154245891-GGCC-G.
Other names: c.54-63_54-61del (NM_001018837.2); short protein forms R46del.
Identifiers: ClinVar variation 961875 (VCV000961875.8), dbSNP rs746771318, ClinGen allele CA30769456.

ClinVar aggregate classification (germline): Uncertain significance (1 of 4 stars; one submission).

Conditions:
Kostmann syndrome (SCN3). Also called: KOSTMANN DISEASE; Autosomal recessive severe congenital neutropenia type 3. Identifiers: Orphanet 99749, MedGen C5235141, MONDO:0012548, OMIM 610738.

Submission:

Labcorp Genetics (formerly Invitae), Labcorp
Classification: Uncertain significance for Kostmann syndrome. Last evaluated: 2025-10-06. Review status: criteria provided, single submitter. Criteria: Invitae Variant Classification Sherloc (09022015). Collection method: clinical testing. Allele origin: germline.
Comment: This variant, c.135_137del, results in the deletion of 1 amino acid(s) of the HAX1 protein (p.Arg46del), but otherwise preserves the integrity of the reading frame. This variant is present in population databases (rs746771318, gnomAD 0.002%). This variant has not been reported in the literature in individuals affected with HAX1-related conditions. ClinVar contains an entry for this variant (Variation ID: 961875). Experimental studies and prediction algorithms are not available or were not evaluated, and the functional significance of this variant is currently unknown. Algorithms developed to predict the effect of sequence changes on RNA splicing suggest that this variant may create or strengthen a splice site. In summary, the available evidence is currently insufficient to determine the role of this variant in disease. Therefore, it has been classified as a Variant of Uncertain Significance.